The following is an entry in ClinVar:

ClinVar aggregate classification (germline): Uncertain significance (1 of 4 stars; one submission).

Conditions:
Inborn genetic diseases. Identifiers: MedGen C0950123, MeSH D030342.

Submission:

Ambry Genetics
Classification: Uncertain significance for Inborn genetic diseases. Last evaluated: 2026-04-04. Review status: criteria provided, single submitter. Criteria: Ambry Variant Classification Scheme 2023. Collection method: clinical testing. Allele origin: germline.
Comment: The p.Q12P variant (also known as c.35A>C), located in coding exon 1 of the RECQL4 gene, results from an A to C substitution at nucleotide position 35. The glutamine at codon 12 is replaced by proline, an amino acid with similar properties. This amino acid position is conserved. In addition, the in silico prediction for this alteration is inconclusive. Based on the available evidence, the clinical significance of this variant remains unclear.

NM_004260.4(RECQL4):c.35A>C (p.Gln12Pro)

Genes: RECQL4 (RecQ like helicase 4; minus strand), LOC130001411 (ATAC-STARR-seq lymphoblastoid silent region 19699; plus strand). Cytogenetic location: 8q24.3.
Variant type: single nucleotide variant.
Coding change: c.35A>C on transcript NM_004260.4 (MANE Select); coding-DNA position 35, A replaced by C.
Protein change: p.Gln12Pro; replaces glutamine 12 with proline.
Molecular consequence: missense variant. On other transcripts: 5 prime UTR variant (17), non-coding transcript variant (3).
Genome position (GRCh38, 1-based): chr8:144,517,750, T>G on the plus strand (A>C on the coding strand, the complement: RECQL4 is on the minus strand). VCF-style: chr8-144517750-T-G. GRCh37 (hg19) VCF-style: chr8-145743134-T-G.
Other names: c.35A>C, p.Gln12Pro (NM_001413017.1, NM_001413018.1, NM_001413019.1 and 6 more transcripts); c.-751A>C (NM_001413021.1); c.-1102A>C (NM_001413022.1, NM_001413023.1, NM_001413037.1 and 2 more transcripts); c.-999A>C (NM_001413024.1); c.-1099A>C (NM_001413027.1); c.-827A>C (NM_001413028.1); c.-1164A>C (NM_001413030.1, NM_001413031.1, NM_001413041.1); c.-996A>C (NM_001413032.1); and 4 more; short protein forms Q12P.
Identifiers: ClinVar variation 4863160 (VCV004863160.1).